The following is an entry in ClinVar:

NM_024675.4(PALB2):c.2867A>G (p.Glu956Gly)

Gene: PALB2 (partner and localizer of BRCA2; minus strand). Cytogenetic location: 16p12.2.
Variant type: single nucleotide variant.
Coding change: c.2867A>G on transcript NM_024675.4 (MANE Select); coding-DNA position 2867, A replaced by G.
Protein change: p.Glu956Gly; replaces glutamic acid 956 with glycine.
Molecular consequence: missense variant.
Genome position (GRCh38, 1-based): chr16:23,623,098, T>C on the plus strand (A>G on the coding strand, the complement: PALB2 is on the minus strand). VCF-style: chr16-23623098-T-C. GRCh37 (hg19) VCF-style: chr16-23634419-T-C.
Other names: c.2867A>G (NM_024675.3); short protein forms E956G.
Identifiers: ClinVar variation 1352175 (VCV001352175.10), dbSNP rs2142337289, ClinGen allele CA395144408.

ClinVar aggregate classification (germline): Uncertain significance. Review status: criteria provided, multiple submitters, no conflicts (2 of 4 stars). 2 submissions from 2 submitters: Uncertain significance (2). Last evaluated 2024-05-02.

Conditions:
Hereditary cancer-predisposing syndrome. Also called: Neoplastic Syndromes, Hereditary; Tumor predisposition; Hereditary neoplastic syndrome; Hereditary Cancer Syndrome. Identifiers: Orphanet 140162, MedGen C0027672, MeSH D009386, MONDO:0015356.
Familial cancer of breast. Also called: hereditary breast carcinoma; Hereditary breast cancer; BREAST CANCER, FAMILIAL. Identifiers: Orphanet 227535, MedGen C0346153, MONDO:0016419, OMIM 114480. Disease mechanism: loss of function.

Submissions (2):

Ambry Genetics
Classification: Uncertain significance for Hereditary cancer-predisposing syndrome. Last evaluated: 2024-05-02. Review status: criteria provided, single submitter. Criteria: Ambry Variant Classification Scheme 2023. Collection method: clinical testing. Allele origin: germline.
Comment: The p.E956G variant (also known as c.2867A>G), located in coding exon 9 of the PALB2 gene, results from an A to G substitution at nucleotide position 2867. The glutamic acid at codon 956 is replaced by glycine, an amino acid with similar properties. This amino acid position is conserved. In addition, this alteration is predicted to be tolerated by in silico analysis. Based on the available evidence, the clinical significance of this variant remains unclear.

Labcorp Genetics (formerly Invitae), Labcorp
Classification: Uncertain significance for Familial cancer of breast. Last evaluated: 2021-06-24. Review status: criteria provided, single submitter. Criteria: Invitae Variant Classification Sherloc (09022015). Collection method: clinical testing. Allele origin: germline.
Comment: This variant is not present in population databases (ExAC no frequency). This sequence change replaces glutamic acid with glycine at codon 956 of the PALB2 protein (p.Glu956Gly). The glutamic acid residue is moderately conserved and there is a moderate physicochemical difference between glutamic acid and glycine. This variant has not been reported in the literature in individuals with PALB2-related conditions. Algorithms developed to predict the effect of missense changes on protein structure and function output the following: SIFT: "Tolerated"; PolyPhen-2: "Benign"; Align-GVGD: "Class C0". The glycine amino acid residue is found in multiple mammalian species, suggesting that this missense change does not adversely affect protein function. These predictions have not been confirmed by published functional studies and their clinical significance is uncertain. In summary, the available evidence is currently insufficient to determine the role of this variant in disease. Therefore, it has been classified as a Variant of Uncertain Significance.